The following is an entry in ClinVar:

ClinVar aggregate classification (germline): Conflicting classifications of pathogenicity. Review status: criteria provided, conflicting classifications (1 of 4 stars). 6 submissions from 5 submitters: Uncertain significance (2); Likely benign (4). Last evaluated 2024-09-25.

Conditions:
WFS1-Related Spectrum Disorders.
Autosomal dominant nonsyndromic hearing loss 6 (LFSNHL). Also called: Autosomal dominant nonsyndromic deafness 6; DEAFNESS, AUTOSOMAL DOMINANT 14; DEAFNESS, AUTOSOMAL DOMINANT 38; DEAFNESS, AUTOSOMAL DOMINANT 6. Identifiers: Orphanet 90635, MedGen C1833021, MONDO:0010963, OMIM 600965.

gnomAD v4.1: 94 of 1,613,010 alleles (0.0058%); highest among the groups gnomAD compares: African/African-American, 0.0093%; no homozygotes.

Submissions (6):

Blueprint Genetics
Classification: Likely benign. Last evaluated: 2024-09-25. Review status: criteria provided, single submitter. Criteria: ACMG Guidelines, 2015. Collection method: clinical testing. Allele origin: germline.

Labcorp Genetics (formerly Invitae), Labcorp
Classification: Likely benign. Last evaluated: 2024-07-24. Review status: criteria provided, single submitter. Criteria: Invitae Variant Classification Sherloc (09022015). Collection method: clinical testing. Allele origin: germline.

CeGaT Center for Human Genetics Tuebingen
Classification: Likely benign. Last evaluated: 2022-04-01. Review status: criteria provided, single submitter. Criteria: CeGaT Center For Human Genetics Tuebingen Variant Classification Criteria Version 2. Collection method: clinical testing. Allele origin: germline. Affected: yes. Observed: 1 variant allele.
Comment: WFS1: BP4, BP7

Illumina Laboratory Services, Illumina
Classification: Uncertain significance for WFS1-Related Spectrum Disorders. Last evaluated: 2018-01-12. Review status: criteria provided, single submitter. Criteria: ICSL Variant Classification Criteria 13 December 2019. Collection method: clinical testing. Allele origin: germline.

Illumina Laboratory Services, Illumina
Classification: Uncertain significance for Autosomal dominant nonsyndromic hearing loss 6. Last evaluated: 2018-01-12. Review status: criteria provided, single submitter. Criteria: ICSL Variant Classification Criteria 13 December 2019. Collection method: clinical testing. Allele origin: germline.

Laboratory for Molecular Medicine, Mass General Brigham Personalized Medicine
Classification: Likely benign. Last evaluated: 2017-06-28. Review status: criteria provided, single submitter. Criteria: LMM Criteria. Collection method: clinical testing. Allele origin: germline. Observed: 1 variant allele.
Comment: p.His860His of WFS1: This variant is not expected to have clinical significance because it does not alter an amino acid residue and is not located within the sp lice consensus sequence. It has been identified in 7/110974 European chromosomes by the genome Aggregation Database (gnomAD; dbSNP rs754802246).

Literature cited by the submitters: PubMed 15277431 (cited by Laboratory for Molecular Medicine, Mass General Brigham Personalized Medicine).

NM_006005.3(WFS1):c.2580C>T (p.His860=)

Gene: WFS1 (wolframin ER transmembrane glycoprotein; plus strand). Cytogenetic location: 4p16.1.
Variant type: single nucleotide variant.
Coding change: c.2580C>T on transcript NM_006005.3 (MANE Select); coding-DNA position 2580, C replaced by T.
Protein change: p.His860=; no amino-acid change (histidine 860 retained).
Molecular consequence: synonymous variant.
Genome position (GRCh38, 1-based): chr4:6,302,375, C>T. VCF-style: chr4-6302375-C-T. GRCh37 (hg19) VCF-style: chr4-6304102-C-T.
Other names: c.2580C>T, p.His860= (NM_001145853.1).
Identifiers: ClinVar variation 349330 (VCV000349330.47), dbSNP rs754802246, ClinGen allele CA2839788.